The following is an entry in ClinVar:

NC_000007.13:g.(?_150644406)_(150644976_?)del

Gene: KCNH2 (potassium voltage-gated channel subfamily H member 2; minus strand). Cytogenetic location: 7q36.1.
Variant type: Deletion.
Identifiers: ClinVar variation 1068864 (VCV001068864.2).

ClinVar aggregate classification (germline): Pathogenic (1 of 4 stars; one submission).

Conditions:
Long QT syndrome (LQTS). Identifiers: MedGen C0023976, MeSH D008133, MONDO:0002442. Disease mechanism: loss of function. Inheritance: Various modes of inheritance.

Submission:

Labcorp Genetics (formerly Invitae), Labcorp
Classification: Pathogenic for Long QT syndrome. Last evaluated: 2022-10-31. Review status: criteria provided, single submitter. Criteria: Invitae Variant Classification Sherloc (09022015). Collection method: clinical testing. Allele origin: germline.
Comment: This variant is a gross deletion of the genomic region encompassing exon(s) 12-13 of the KCNH2 gene. This deletion is out-of-frame, and is expected to create a premature termination codon and result in an absent or disrupted protein product. Loss-of-function variants in KCNH2 are known to be pathogenic (PMID: 10973849, 19862833). This variant has not been reported in the literature in individuals affected with KCNH2-related conditions. For these reasons, this variant has been classified as Pathogenic.

Literature cited by the submitters: PubMed 10973849; PubMed 19862833.